The following is an entry in ClinVar:

NM_000095.3(COMP):c.165+2T>G

Gene: COMP (cartilage oligomeric matrix protein; minus strand). Cytogenetic location: 19p13.11.
Variant type: single nucleotide variant.
Coding change: c.165+2T>G on transcript NM_000095.3 (MANE Select); the canonical splice donor site of the intron after coding-DNA position 165, T replaced by G.
Molecular consequence: splice donor variant.
Genome position (GRCh38, 1-based): chr19:18,790,848, A>C on the plus strand (T>G on the coding strand, the complement: COMP is on the minus strand). VCF-style: chr19-18790848-A-C. GRCh37 (hg19) VCF-style: chr19-18901657-A-C.
Identifiers: ClinVar variation 4780596 (VCV004780596.1).

ClinVar aggregate classification (germline): Uncertain significance (1 of 4 stars; one submission).

Submission:

Labcorp Genetics (formerly Invitae), Labcorp
Classification: Uncertain significance. Last evaluated: 2025-06-02. Review status: criteria provided, single submitter. Criteria: Invitae Variant Classification Sherloc (09022015). Collection method: clinical testing. Allele origin: germline.
Comment: This sequence change affects a donor splice site in intron 2 of the COMP gene. It is expected to disrupt RNA splicing. Variants that disrupt the donor or acceptor splice site typically lead to a loss of protein function (PMID: 16199547), however the current clinical and genetic evidence is not sufficient to establish whether loss-of-function variants in COMP cause disease. The frequency data for this variant in the population databases is considered unreliable, as metrics indicate poor data quality at this position in the gnomAD database. This variant has not been reported in the literature in individuals affected with COMP-related conditions. Algorithms developed to predict the effect of sequence changes on RNA splicing suggest that this variant may disrupt the consensus splice site. In summary, the available evidence is currently insufficient to determine the role of this variant in disease. Therefore, it has been classified as a Variant of Uncertain Significance.

Literature cited by the submitters: PubMed 16199547.